The following is an entry in ClinVar:

ClinVar aggregate classification (germline): Uncertain significance (1 of 4 stars; one submission).

Conditions:
Zimmermann-Laband syndrome 1 (ZLS1). Identifiers: Orphanet 3473, MedGen C4551773, MONDO:0024526, OMIM 135500.

Allele frequency attached by ClinVar (database versions not stated): gnomAD exomes below 0.00001; TOPMed below 0.00001; gnomAD 0.00001.
gnomAD v4.1: 4 of 1,613,420 alleles (0.00025%); highest among the groups gnomAD compares: African/African-American, 0.0013%; no homozygotes.

Submission:

Institute of Human Genetics, University of Leipzig Medical Center
Classification: Uncertain significance for Zimmermann-Laband syndrome 1. Last evaluated: 2023-10-16. Review status: criteria provided, single submitter. Criteria: ACMG Guidelines, 2015. Collection method: clinical testing. Allele origin: unknown. Inheritance: Autosomal dominant inheritance. Affected: yes.
Comment: Criteria applied: PM2_SUP,PP2,PP3

NM_172362.3(KCNH1):c.137A>G (p.Asn46Ser)

Gene: KCNH1 (potassium voltage-gated channel subfamily H member 1; minus strand). Cytogenetic location: 1q32.2.
Variant type: single nucleotide variant.
Coding change: c.137A>G on transcript NM_172362.3 (MANE Select); coding-DNA position 137, A replaced by G.
Protein change: p.Asn46Ser; replaces asparagine 46 with serine.
Molecular consequence: missense variant.
Genome position (GRCh38, 1-based): chr1:211,107,320, T>C on the plus strand (A>G on the coding strand, the complement: KCNH1 is on the minus strand). VCF-style: chr1-211107320-T-C. GRCh37 (hg19) VCF-style: chr1-211280662-T-C.
Other names: c.137A>G, p.Asn46Ser (NM_002238.4); short protein forms N46S.
Identifiers: ClinVar variation 2627570 (VCV002627570.2), dbSNP rs1377545383, ClinGen allele CA344874781.